The following is an entry in ClinVar:

ClinVar aggregate classification (germline): Benign (1 of 4 stars; one submission).

Allele frequency attached by ClinVar (database versions not stated): 1000 Genomes Project 0.41060; 1000 Genomes Project 30x 0.41769; gnomAD 0.42287 and 0.42693; TOPMed 0.43586.
gnomAD v4.1: 46,610 of 110,002 alleles (42%); highest among the groups gnomAD compares: Admixed American, 47%; 7,120 homozygotes.

Submission:

GeneDx
Classification: Benign. Last evaluated: 2018-06-14. Review status: criteria provided, single submitter. Criteria: GeneDx Variant Classification (06012015). Collection method: clinical testing. Allele origin: germline. Affected: yes.
Comment: This variant is considered likely benign or benign based on one or more of the following criteria: it is a conservative change, it occurs at a poorly conserved position in the protein, it is predicted to be benign by multiple in silico algorithms, and/or has population frequency not consistent with disease.

NM_004006.3(DMD):c.2168+191G>C

Gene: DMD (dystrophin; minus strand). Cytogenetic location: Xp21.1.
Variant type: single nucleotide variant.
Coding change: c.2168+191G>C on transcript NM_004006.3 (MANE Select); 191 bases into the intron after coding-DNA position 2168, G replaced by C.
Molecular consequence: intron variant.
Genome position (GRCh38, 1-based): chrX:32,544,968, C>G on the plus strand (G>C on the coding strand, the complement: DMD is on the minus strand). VCF-style: chrX-32544968-C-G. GRCh37 (hg19) VCF-style: chrX-32563085-C-G.
Other names: c.2144+191G>C (NM_000109.4); c.2156+191G>C (NM_004009.3); c.1799+191G>C (NM_004010.3).
Identifiers: ClinVar variation 672487 (VCV000672487.1), dbSNP rs1006211, ClinGen allele CA15027301.
Genomic context (GRCh38, chrX:32,544,968, plus strand): 5'-CCTATAGTTTCTATAGTTTCTTCTTTCACCCCAGAAAACACCATTTCCATTAAGCATTTA[C>G]TTTCTGTTGCGATAGTGATTTCTTGTGAAAGTTTTAAAATGTACTTCATAATTTTTCTCA-3'